The following is an entry in ClinVar:

NM_000093.5(COL5A1):c.885G>T (p.Lys295Asn)

Gene: COL5A1 (collagen type V alpha 1 chain; plus strand). Cytogenetic location: 9q34.3.
Variant type: single nucleotide variant.
Coding change: c.885G>T on transcript NM_000093.5 (MANE Select); coding-DNA position 885, G replaced by T.
Protein change: p.Lys295Asn; replaces lysine 295 with asparagine.
Molecular consequence: missense variant.
Genome position (GRCh38, 1-based): chr9:134,728,768, G>T. VCF-style: chr9-134728768-G-T. GRCh37 (hg19) VCF-style: chr9-137620614-G-T.
Other names: c.885G>T, p.Lys295Asn (NM_001278074.1); short protein forms K295N.
Identifiers: ClinVar variation 4755747 (VCV004755747.1).

ClinVar aggregate classification (germline): Uncertain significance (1 of 4 stars; one submission).

Submission:

GeneDx
Classification: Uncertain significance. Last evaluated: 2025-08-03. Review status: criteria provided, single submitter. Criteria: GeneDx Variant Classification Process June 2021. Collection method: clinical testing. Allele origin: germline. Affected: yes.
Comment: Not observed at significant frequency in large population cohorts (gnomAD); In silico analysis suggests that this missense variant does not alter protein structure/function; Has not been previously published as pathogenic or benign to our knowledge